The following is an entry in ClinVar:

NM_000043.6(FAS):c.722C>A (p.Thr241Lys)

Gene: FAS (Fas cell surface death receptor; plus strand). Cytogenetic location: 10q23.31.
Variant type: single nucleotide variant.
Coding change: c.722C>A on transcript NM_000043.6 (MANE Select); coding-DNA position 722, C replaced by A.
Protein change: p.Thr241Lys; replaces threonine 241 with lysine.
Molecular consequence: missense variant. On other transcripts: 3 prime UTR variant (2), non-coding transcript variant (7).
Genome position (GRCh38, 1-based): chr10:89,014,164, C>A. VCF-style: chr10-89014164-C-A. GRCh37 (hg19) VCF-style: chr10-90773921-C-A.
Other names: c.*45C>A (NM_001320619.2); c.767C>A, p.Thr256Lys (NM_001410956.1); c.659C>A, p.Thr220Lys (NM_152871.4); c.*34C>A (NM_152872.4); short protein forms T256K, T241K, T220K.
Identifiers: ClinVar variation 2735450 (VCV002735450.3), dbSNP rs201072885, ClinGen allele CA5593211.
Genomic context (GRCh38, chr10:89,014,164, plus strand): 5'-TTTTCTATTTTTCAGATGTTGACTTGAGTAAATATATCACCACTATTGCTGGAGTCATGA[C>A]ACTAAGTCAAGTTAAAGGCTTTGTTCGAAAGAATGGTGTCAATGAAGCCAAAATAGATGA-3'
Protein context (NP_000034.1, residues 231-251): KYITTIAGVM[Thr241Lys]LSQVKGFVRK

ClinVar aggregate classification (germline): Pathogenic (1 of 4 stars; one submission).

Conditions:
Autoimmune lymphoproliferative syndrome type 1. Also called: AUTOIMMUNE LYMPHOPROLIFERATIVE SYNDROME, TYPE I, AUTOSOMAL DOMINANT. Identifiers: Orphanet 3261, MedGen C2717884, MONDO:0011158, OMIM 601859.

Allele frequency attached by ClinVar (database versions not stated): TOPMed 0.00001; gnomAD 0.00001; ESP Exome Variant Server 0.00008; gnomAD exomes 0.00004; ExAC 0.00012.
gnomAD v4.1: 27 of 1,613,690 alleles (0.0017%); highest among the groups gnomAD compares: Non-Finnish European, 0.00085%; no homozygotes.

Submission:

Labcorp Genetics (formerly Invitae), Labcorp
Classification: Pathogenic for Autoimmune lymphoproliferative syndrome. Last evaluated: 2024-03-13. Review status: criteria provided, single submitter. Criteria: Invitae Variant Classification Sherloc (09022015). Collection method: clinical testing. Allele origin: germline.
Comment: This sequence change replaces threonine, which is neutral and polar, with lysine, which is basic and polar, at codon 241 of the FAS protein (p.Thr241Lys). This variant is present in population databases (rs201072885, gnomAD 0.04%). This missense change has been observed in individual(s) with autosomal dominant autoimmune lymphoproliferative syndrome (ALPS) (PMID: 10090885, 10575548; Invitae). This variant is also known as 916C>A (T225K). Algorithms developed to predict the effect of missense changes on protein structure and function output the following: SIFT: "Not Available"; PolyPhen-2: "Benign"; Align-GVGD: "Not Available". The lysine amino acid residue is found in multiple mammalian species, which suggests that this missense change does not adversely affect protein function. Experimental studies have shown that this missense change affects FAS function (PMID: 10090885, 10575548, 21490157). For these reasons, this variant has been classified as Pathogenic.

Literature cited by the submitters: PubMed 10090885; PubMed 10575548; PubMed 21490157.